The following is an entry in ClinVar:

NM_000926.4(PGR):c.549A>G (p.Lys183=)

Gene: PGR (progesterone receptor; minus strand). Cytogenetic location: 11q22.1.
Variant type: single nucleotide variant.
Coding change: c.549A>G on transcript NM_000926.4 (MANE Select); coding-DNA position 549, A replaced by G.
Protein change: p.Lys183=; no amino-acid change (lysine 183 retained).
Molecular consequence: synonymous variant. On other transcripts: non-coding transcript variant (3), intron variant (1).
Genome position (GRCh38, 1-based): chr11:101,128,522, T>C on the plus strand (A>G on the coding strand, the complement: PGR is on the minus strand). VCF-style: chr11-101128522-T-C. GRCh37 (hg19) VCF-style: chr11-100999253-T-C.
Other names: NC_000011.9:g.100999253T>C; c.57A>G, p.Lys19= (NM_001202474.3, NM_001271161.2); c.-146+906A>G (NM_001271162.2).
Identifiers: ClinVar variation 787546 (VCV000787546.28), dbSNP rs201378964, ClinGen allele CA6243885.

ClinVar aggregate classification (germline): Benign/Likely benign. Review status: criteria provided, multiple submitters, no conflicts (2 of 4 stars). 3 submissions from 3 submitters: Benign (2); Likely benign (1). Last evaluated 2024-02-01.

Allele frequency attached by ClinVar (database versions not stated): 1000 Genomes Project 30x 0.00078; 1000 Genomes Project 0.00080; ESP Exome Variant Server 0.00176; gnomAD 0.00243 and 0.00252; TOPMed 0.00273; gnomAD exomes 0.00289 and 0.00370; ExAC 0.00435.
gnomAD v4.1: 5,740 of 1,602,142 alleles (0.36%); highest among the groups gnomAD compares: Non-Finnish European, 0.43%; 14 homozygotes.

Submissions (4):

CeGaT Center for Human Genetics Tuebingen
Classification: Likely benign. Last evaluated: 2024-02-01. Review status: criteria provided, single submitter. Criteria: CeGaT Center For Human Genetics Tuebingen Variant Classification Criteria Version 2. Collection method: clinical testing. Allele origin: germline. Affected: yes. Observed: 1 variant allele.
Comment: PGR: BP4, BP7

Labcorp Genetics (formerly Invitae), Labcorp
Classification: Benign. Last evaluated: 2019-12-31. Review status: criteria provided, single submitter. Criteria: Invitae Variant Classification Sherloc (09022015). Collection method: clinical testing. Allele origin: germline.

Breakthrough Genomics
Classification: Benign. Review status: criteria provided, single submitter. Criteria: ACMG Guidelines, 2015. Collection method: not provided. Allele origin: germline. Inheritance: Autosomal recessive inheritance. Affected: yes.

Dr. Peter K. Rogan Lab, Western University
No classification provided (evidence only). Condition: Thyroid cancer, nonmedullary, 1. Review status: no classification provided. Collection method: in vitro. Allele origin: not applicable. Functional consequence: retained intron. Not counted in ClinVar's aggregate classification.